The following is an entry in ClinVar:

ClinVar aggregate classification (germline): Uncertain significance (1 of 4 stars; one submission).

Submission:

Ambry Genetics
Classification: Uncertain significance. Last evaluated: 2024-05-20. Review status: criteria provided, single submitter. Criteria: Ambry Variant Classification Scheme 2023. Collection method: clinical testing. Allele origin: germline.
Comment: The p.Q536E variant (also known as c.1606C>G), located in coding exon 13 of the NPAT gene, results from a C to G substitution at nucleotide position 1606. The glutamine at codon 536 is replaced by glutamic acid, an amino acid with highly similar properties. This amino acid position is conserved. In addition, this alteration is predicted to be tolerated by in silico analysis. Based on the available evidence, the clinical significance of this variant remains unclear.

NM_002519.3(NPAT):c.1606C>G (p.Gln536Glu)

Gene: NPAT (nuclear protein, coactivator of histone transcription; minus strand). Cytogenetic location: 11q22.3.
Variant type: single nucleotide variant.
Coding change: c.1606C>G on transcript NM_002519.3 (MANE Select); coding-DNA position 1606, C replaced by G.
Protein change: p.Gln536Glu; replaces glutamine 536 with glutamic acid.
Molecular consequence: missense variant.
Genome position (GRCh38, 1-based): chr11:108,173,378, G>C on the plus strand (C>G on the coding strand, the complement: NPAT is on the minus strand). VCF-style: chr11-108173378-G-C. GRCh37 (hg19) VCF-style: chr11-108044105-G-C.
Other names: c.1606C>G, p.Gln536Glu (NM_001321307.1); short protein forms Q536E.
Identifiers: ClinVar variation 3300697 (VCV003300697.1).
Genomic context (GRCh38, chr11:108,173,378, plus strand): 5'-CATTAGAATTTTCACAAAATTGACTTTTTTTAGATGGCTTTCCAGTTAATGAAGTATCTT[G>C]GGATAAAAGTTGAGAACTCTTCCCAGAGAGAATTAAGTTTTCATTGTTAGCTTCACAACC-3'
Protein context (NP_002510.2, residues 526-546): LSGKSSQLLS[Gln536Glu]DTSLTGKPSK